The following is an entry in ClinVar:

NM_001287491.2(TET3):c.3160C>T (p.Arg1054Cys)

Gene: TET3 (tet methylcytosine dioxygenase 3; plus strand). Cytogenetic location: 2p13.1.
Variant type: single nucleotide variant.
Coding change: c.3160C>T on transcript NM_001287491.2 (MANE Select); coding-DNA position 3160, C replaced by T.
Protein change: p.Arg1054Cys; replaces arginine 1054 with cysteine.
Molecular consequence: missense variant.
Genome position (GRCh38, 1-based): chr2:74,093,559, C>T. VCF-style: chr2-74093559-C-T. GRCh37 (hg19) VCF-style: chr2-74320686-C-T.
Other names: c.2881C>T, p.Arg961Cys (NM_001366022.1); c.2755C>T, p.Arg919Cys (NM_144993.1); short protein forms R1054C, R919C, R961C.
Identifiers: ClinVar variation 2630073 (VCV002630073.2), dbSNP rs2467656524, ClinGen allele CA347312966.
Genomic context (GRCh38, chr2:74,093,559, plus strand): 5'-GTGAGCACCTCTCCTTGGCTGTCTACACAGGTGACCAACGAGGAAATAGCGATTGACTGC[C>T]GTCTGGGGCTGAAGGAAGGACGGCCCTTCGCGGGGGTCACGGCCTGCATGGACTTCTGTG-3'
Protein context (NP_001274420.1, residues 1044-1064): VTNEEIAIDC[Arg1054Cys]LGLKEGRPFA

ClinVar aggregate classification (germline): Uncertain significance (1 of 4 stars; one submission).

Conditions:
TET3-related disorder. Also called: TET3-related condition; TET3-Related Disease.

Submission:

PreventionGenetics, part of Exact Sciences
Classification: Uncertain significance for TET3-related condition. Last evaluated: 2026-07-17. Review status: criteria provided, single submitter. Criteria: ACMG Guidelines, 2015. Collection method: clinical testing. Allele origin: germline.
Comment: The TET3 c.3160C>T variant is predicted to result in the amino acid substitution p.Arg1054Cys. To our knowledge, this variant has not been reported in the literature or in a large population database (gnomAD), indicating this variant is rare. At this time, the clinical significance of this variant is uncertain due to the absence of conclusive functional and genetic evidence.